The following is an entry in ClinVar:

NM_004946.3(DOCK2):c.3710A>G (p.Tyr1237Cys)

Gene: DOCK2 (dedicator of cytokinesis 2; plus strand). Cytogenetic location: 5q35.1.
Variant type: single nucleotide variant.
Coding change: c.3710A>G on transcript NM_004946.3 (MANE Select); coding-DNA position 3710, A replaced by G.
Protein change: p.Tyr1237Cys; replaces tyrosine 1237 with cysteine.
Molecular consequence: missense variant. On other transcripts: non-coding transcript variant (1).
Genome position (GRCh38, 1-based): chr5:170,041,099, A>G. VCF-style: chr5-170041099-A-G. GRCh37 (hg19) VCF-style: chr5-169468103-A-G.
Other names: short protein forms Y1237C.
Identifiers: ClinVar variation 1018210 (VCV001018210.8), dbSNP rs781142067, ClinGen allele CA3554307.

ClinVar aggregate classification (germline): Uncertain significance (1 of 4 stars; one submission).

Conditions:
DOCK2 deficiency. Also called: Immunodeficiency 40. Identifiers: Orphanet 447737, MedGen C4225328, MONDO:0014637, OMIM 616433.

Allele frequency attached by ClinVar (database versions not stated): ExAC 0.00001; gnomAD exomes 0.00001.
gnomAD v4.1: 2 of 1,614,120 alleles (0.00012%); highest among the groups gnomAD compares: Non-Finnish European, 0.00017%; no homozygotes.

Submission:

Labcorp Genetics (formerly Invitae), Labcorp
Classification: Uncertain significance for DOCK2 deficiency. Last evaluated: 2020-03-04. Review status: criteria provided, single submitter. Criteria: Invitae Variant Classification Sherloc (09022015). Collection method: clinical testing. Allele origin: germline.
Comment: In summary, the available evidence is currently insufficient to determine the role of this variant in disease. Therefore, it has been classified as a Variant of Uncertain Significance. Algorithms developed to predict the effect of missense changes on protein structure and function are either unavailable or do not agree on the potential impact of this missense change (SIFT: "Tolerated"; PolyPhen-2: "Possibly Damaging"; Align-GVGD: "Class C0"). This variant has not been reported in the literature in individuals with DOCK2-related conditions. This variant is present in population databases (rs781142067, ExAC 0.001%). This sequence change replaces tyrosine with cysteine at codon 1237 of the DOCK2 protein (p.Tyr1237Cys). The tyrosine residue is moderately conserved and there is a large physicochemical difference between tyrosine and cysteine.